The following is an entry in ClinVar:

NM_014014.5(SNRNP200):c.820C>T (p.Arg274Cys)

Gene: SNRNP200 (small nuclear ribonucleoprotein U5 subunit 200; minus strand). Cytogenetic location: 2q11.2.
Variant type: single nucleotide variant.
Coding change: c.820C>T on transcript NM_014014.5 (MANE Select); coding-DNA position 820, C replaced by T.
Protein change: p.Arg274Cys; replaces arginine 274 with cysteine.
Molecular consequence: missense variant.
Genome position (GRCh38, 1-based): chr2:96,298,877, G>A on the plus strand (C>T on the coding strand, the complement: SNRNP200 is on the minus strand). VCF-style: chr2-96298877-G-A. GRCh37 (hg19) VCF-style: chr2-96964615-G-A.
Other names: short protein forms R274C.
Identifiers: ClinVar variation 1496375 (VCV001496375.6), dbSNP rs778937829, ClinGen allele CA1779073.

ClinVar aggregate classification (germline): Uncertain significance (1 of 4 stars; one submission).

Allele frequency attached by ClinVar (database versions not stated): gnomAD exomes below 0.00001; ExAC 0.00001; gnomAD 0.00001.
gnomAD v4.1: 6 of 1,614,090 alleles (0.00037%); highest among the groups gnomAD compares: Middle Eastern, 0.016%; no homozygotes.

Submission:

Labcorp Genetics (formerly Invitae), Labcorp
Classification: Uncertain significance. Last evaluated: 2022-10-17. Review status: criteria provided, single submitter. Criteria: Invitae Variant Classification Sherloc (09022015). Collection method: clinical testing. Allele origin: germline.
Comment: ClinVar contains an entry for this variant (Variation ID: 1496375). In summary, the available evidence is currently insufficient to determine the role of this variant in disease. Therefore, it has been classified as a Variant of Uncertain Significance. Advanced modeling of protein sequence and biophysical properties (such as structural, functional, and spatial information, amino acid conservation, physicochemical variation, residue mobility, and thermodynamic stability) performed at Invitae indicates that this missense variant is expected to disrupt SNRNP200 protein function. This variant has not been reported in the literature in individuals affected with SNRNP200-related conditions. This variant is not present in population databases (gnomAD no frequency). This sequence change replaces arginine, which is basic and polar, with cysteine, which is neutral and slightly polar, at codon 274 of the SNRNP200 protein (p.Arg274Cys).